The following is an entry in ClinVar:

NM_001130987.2(DYSF):c.4883G>A (p.Gly1628Asp)

Gene: DYSF (dysferlin; plus strand). Cytogenetic location: 2p13.2.
Variant type: single nucleotide variant.
Coding change: c.4883G>A on transcript NM_001130987.2 (MANE Select); coding-DNA position 4883, G replaced by A.
Protein change: p.Gly1628Asp; replaces glycine 1628 with aspartic acid.
Molecular consequence: missense variant.
Genome position (GRCh38, 1-based): chr2:71,659,005, G>A. VCF-style: chr2-71659005-G-A. GRCh37 (hg19) VCF-style: chr2-71886135-G-A.
Other names: c.4724G>A, p.Gly1575Asp (NM_001130976.2); c.4787G>A, p.Gly1596Asp (NM_001130977.2); c.4829G>A, p.Gly1610Asp (NM_001130978.2); c.4859G>A, p.Gly1620Asp (NM_001130979.2); c.4817G>A, p.Gly1606Asp (NM_001130980.2); c.4880G>A, p.Gly1627Asp (NM_001130981.2); c.4862G>A, p.Gly1621Asp (NM_001130982.2); c.4832G>A, p.Gly1611Asp (NM_001130983.2); and 5 more; short protein forms G1596D, G1607D, G1611D, G1620D, G1627D, G1575D, G1597D, G1606D.
Identifiers: ClinVar variation 2066402 (VCV002066402.4), dbSNP rs2546494969, ClinGen allele CA347219860.

ClinVar aggregate classification (germline): Uncertain significance (1 of 4 stars; one submission).

Conditions:
Neuromuscular disease caused by qualitative or quantitative defects of dysferlin. Also called: Qualitative or quantitative defects of dysferlin; Dysferlinopathy. Identifiers: Orphanet 207073, MedGen C2931687, MONDO:0016145.

Submission:

Labcorp Genetics (formerly Invitae), Labcorp
Classification: Uncertain significance for Neuromuscular disease caused by qualitative or quantitative defects of dysferlin. Last evaluated: 2022-04-13. Review status: criteria provided, single submitter. Criteria: Invitae Variant Classification Sherloc (09022015). Collection method: clinical testing. Allele origin: germline.
Comment: This sequence change replaces glycine, which is neutral and non-polar, with aspartic acid, which is acidic and polar, at codon 1589 of the DYSF protein (p.Gly1589Asp). In summary, the available evidence is currently insufficient to determine the role of this variant in disease. Therefore, it has been classified as a Variant of Uncertain Significance. Advanced modeling of protein sequence and biophysical properties (such as structural, functional, and spatial information, amino acid conservation, physicochemical variation, residue mobility, and thermodynamic stability) performed at Invitae indicates that this missense variant is not expected to disrupt DYSF protein function. This variant has not been reported in the literature in individuals affected with DYSF-related conditions. This variant is not present in population databases (gnomAD no frequency).